The following is an entry in ClinVar:

NM_004304.5(ALK):c.398G>T (p.Arg133Leu)

Gene: ALK (ALK receptor tyrosine kinase; minus strand). Cytogenetic location: 2p23.1.
Variant type: single nucleotide variant.
Coding change: c.398G>T on transcript NM_004304.5 (MANE Select); coding-DNA position 398, G replaced by T.
Protein change: p.Arg133Leu; replaces arginine 133 with leucine.
Molecular consequence: missense variant.
Genome position (GRCh38, 1-based): chr2:29,920,262, C>A on the plus strand (G>T on the coding strand, the complement: ALK is on the minus strand). VCF-style: chr2-29920262-C-A. GRCh37 (hg19) VCF-style: chr2-30143128-C-A.
Other names: short protein forms R133L.
Identifiers: ClinVar variation 1064256 (VCV001064256.12), dbSNP rs768229646, ClinGen allele CA346590123.

ClinVar aggregate classification (germline): Uncertain significance. Review status: criteria provided, multiple submitters, no conflicts (2 of 4 stars). 2 submissions from 2 submitters: Uncertain significance (2). Last evaluated 2025-03-29.

Conditions:
Hereditary cancer-predisposing syndrome. Also called: Tumor predisposition; Neoplastic Syndromes, Hereditary; Hereditary Cancer Syndrome; Hereditary neoplastic syndrome. Identifiers: Orphanet 140162, MedGen C0027672, MeSH D009386, MONDO:0015356.
Neuroblastoma, susceptibility to, 3. Also called: ALK-Related Neuroblastic Tumor Susceptibility. Identifiers: Orphanet 635, MedGen C2751681, MONDO:0013083, OMIM 613014.

gnomAD v4.1: 4 of 1,597,862 alleles (0.00025%); highest among the groups gnomAD compares: Non-Finnish European, 0.00034%; no homozygotes.

Submissions (2):

Labcorp Genetics (formerly Invitae), Labcorp
Classification: Uncertain significance for Neuroblastoma, susceptibility to, 3. Last evaluated: 2025-03-29. Review status: criteria provided, single submitter. Criteria: Invitae Variant Classification Sherloc (09022015). Collection method: clinical testing. Allele origin: germline.
Comment: This sequence change replaces arginine, which is basic and polar, with leucine, which is neutral and non-polar, at codon 133 of the ALK protein (p.Arg133Leu). This variant is not present in population databases (gnomAD no frequency). This variant has not been reported in the literature in individuals affected with ALK-related conditions. ClinVar contains an entry for this variant (Variation ID: 1064256). An algorithm developed to predict the effect of missense changes on protein structure and function (PolyPhen-2) suggests that this variant is likely to be disruptive. In summary, the available evidence is currently insufficient to determine the role of this variant in disease. Therefore, it has been classified as a Variant of Uncertain Significance.

Ambry Genetics
Classification: Uncertain significance for Hereditary cancer-predisposing syndrome. Last evaluated: 2024-09-15. Review status: criteria provided, single submitter. Criteria: Ambry Variant Classification Scheme 2023. Collection method: clinical testing. Allele origin: germline.
Comment: The p.R133L variant (also known as c.398G>T), located in coding exon 1 of the ALK gene, results from a G to T substitution at nucleotide position 398. The arginine at codon 133 is replaced by leucine, an amino acid with dissimilar properties. This amino acid position is conserved. In addition, this alteration is predicted to be deleterious by in silico analysis. Since supporting evidence is limited at this time, the clinical significance of this alteration remains unclear.